The following is an entry in ClinVar:

ClinVar aggregate classification (germline): Conflicting classifications of pathogenicity. Review status: criteria provided, conflicting classifications (1 of 4 stars). 4 submissions from 4 submitters: Uncertain significance (3); Likely benign (1). Last evaluated 2026-02-11.

Conditions:
Oligodontia-cancer predisposition syndrome. Also called: TOOTH AGENESIS-COLORECTAL CANCER SYNDROME. Identifiers: Orphanet 300576, MedGen C1837750, MONDO:0012075, OMIM 608615. Disease mechanism: loss of function.
AXIN2-related disorder.

Allele frequency attached by ClinVar (database versions not stated): gnomAD exomes below 0.00001.
gnomAD v4.1: 1 of 1,614,222 alleles (0.000062%); highest among the groups gnomAD compares: Admixed American, 0.0017%; no homozygotes.

Submissions (4):

PreventionGenetics, part of Exact Sciences
Classification: Uncertain significance for AXIN2-related condition. Last evaluated: 2026-02-11. Review status: criteria provided, single submitter. Criteria: ACMG Guidelines, 2015. Collection method: clinical testing. Allele origin: germline.
Comment: The AXIN2 c.2238-9T>A variant is predicted to interfere with splicing. To our knowledge, this variant has not been reported in the literature. This variant does not impact splicing based on available splicing prediction programs (SpliceAI, Jaganathan et al. 2019. PubMed ID: 30661751). This variant is reported in 0.0029% of alleles in individuals of Latino descent in gnomAD. This variant has conflicting interpretations in ClinVar ranging from uncertain to likely benign (Variation ID: 1158101). At this time, the clinical significance of this variant is uncertain due to the absence of conclusive functional and genetic evidence.

Labcorp Genetics (formerly Invitae), Labcorp
Classification: Likely benign for Oligodontia-cancer predisposition syndrome. Last evaluated: 2025-11-16. Review status: criteria provided, single submitter. Criteria: Invitae Variant Classification Sherloc (09022015). Collection method: clinical testing. Allele origin: germline.

Quest Diagnostics Nichols Institute San Juan Capistrano
Classification: Uncertain significance. Last evaluated: 2024-03-05. Review status: criteria provided, single submitter. Criteria: Quest Diagnostics criteria. Collection method: clinical testing. Allele origin: unknown.
Comment: The AXIN2 c.2238-9T>A variant has not been reported in individuals with AXIN2-related conditions in the published literature. The frequency of this variant in the general population, 0.000004 (1/251482 chromosomes (Genome Aggregation Database)), is uninformative in the assessment of its pathogenicity. Analysis of this variant using software algorithms for the prediction of the effect of nucleotide changes on AXIN2 mRNA splicing yielded inconclusive findings. Based on the available information, we are unable to determine the clinical significance of this variant.

GeneDx
Classification: Uncertain significance. Last evaluated: 2019-11-18. Review status: criteria provided, single submitter. Criteria: GeneDx Variant Classification Process June 2021. Collection method: clinical testing. Allele origin: germline. Affected: yes.
Comment: Not observed at a significant frequency in large population cohorts (Lek 2016); Has not been previously published as pathogenic or benign to our knowledge; In-silico analysis, which includes splice predictors and evolutionary conservation, is inconclusive as to whether the variant alters gene splicing. In the absence of RNA/functional studies, the actual effect of this sequence change is unknown.

NM_004655.4(AXIN2):c.2238-9T>A

Gene: AXIN2 (axin 2; minus strand). Cytogenetic location: 17q24.1.
Variant type: single nucleotide variant.
Coding change: c.2238-9T>A on transcript NM_004655.4 (MANE Select); 9 bases into the intron before coding-DNA position 2238, T replaced by A.
Molecular consequence: intron variant.
Genome position (GRCh38, 1-based): chr17:65,534,088, A>T on the plus strand (T>A on the coding strand, the complement: AXIN2 is on the minus strand). VCF-style: chr17-65534088-A-T. GRCh37 (hg19) VCF-style: chr17-63530206-A-T.
Other names: c.2043-9T>A (NM_001363813.1); c.2238-9T>A (NM_004655.3).
Identifiers: ClinVar variation 1158101 (VCV001158101.12), dbSNP rs1245915542, ClinGen allele CA627152132.